The following is an entry in ClinVar:

NM_001037333.3(CYFIP2):c.1923G>A (p.Met641Ile)

Gene: CYFIP2 (cytoplasmic FMR1 interacting protein 2; plus strand). Cytogenetic location: 5q33.3.
Variant type: single nucleotide variant.
Coding change: c.1923G>A on transcript NM_001037333.3 (MANE Select); coding-DNA position 1923, G replaced by A.
Protein change: p.Met641Ile; replaces methionine 641 with isoleucine.
Molecular consequence: missense variant.
Genome position (GRCh38, 1-based): chr5:157,325,579, G>A. VCF-style: chr5-157325579-G-A. GRCh37 (hg19) VCF-style: chr5-156752587-G-A.
Other names: c.1845G>A, p.Met615Ile (NM_001291721.2); c.1998G>A, p.Met666Ile (NM_001291722.2); c.1923G>A, p.Met641Ile (NM_014376.4); short protein forms M615I, M641I, M666I.
Identifiers: ClinVar variation 4688240 (VCV004688240.1).

ClinVar aggregate classification (germline): Uncertain significance (1 of 4 stars; one submission).

Submission:

Women's Health and Genetics/Laboratory Corporation of America, LabCorp
Classification: Uncertain significance. Last evaluated: 2025-12-17. Review status: criteria provided, single submitter. Criteria: LabCorp Variant Classification Summary - May 2015. Collection method: clinical testing. Allele origin: germline.
Comment: Variant summary: CYFIP2 c.1923G>A (p.Met641Ile) results in a conservative amino acid change in the encoded protein sequence. Algorithms developed to predict the effect of missense changes on protein structure and function are either unavailable or do not agree on the potential impact of this missense change. The variant was absent in 248330 control chromosomes. The available data on variant occurrences in the general population are insufficient to allow any conclusion about variant significance. To our knowledge, no occurrence of c.1923G>A in individuals affected with CYFIP2-related conditions and no experimental evidence demonstrating its impact on protein function have been reported. No submitters have cited clinical-significance assessments for this variant to ClinVar. Based on the evidence outlined above, the variant was classified as uncertain significance.